The following is an entry in ClinVar:

NM_000552.5(VWF):c.1339del (p.Arg447fs)

Gene: VWF (von Willebrand factor; minus strand). Cytogenetic location: 12p13.31.
Variant type: Deletion.
Coding change: c.1339del on transcript NM_000552.5 (MANE Select); coding-DNA position 1339, one base deleted (C; older notation c.1339delC).
Protein change: p.Arg447fs; shifts the reading frame from arginine 447.
Molecular consequence: frameshift variant.
Genome position (GRCh38, 1-based): chr12:6,064,339, G deleted on the plus strand (C on the coding strand, the reverse complement: VWF is on the minus strand); the first of 2 consecutive G bases (chr12:6,064,339-6,064,340); deleting either gives the same sequence. VCF-style (leftmost placement, unchanged base first): chr12-6064338-CG-C. GRCh37 (hg19) VCF-style: chr12-6173504-CG-C.
Other names: c.1339delC (NM_000552.4); short protein forms R447fs.
Identifiers: ClinVar variation 626925 (VCV000626925.5), dbSNP rs1591895308, ClinGen allele CA915947844.

ClinVar aggregate classification (germline): Likely pathogenic. Review status: criteria provided, single submitter (1 of 4 stars). 2 submissions from 2 submitters: Likely pathogenic (1). 1 of the submissions does not count toward it. Last evaluated 2019-02-01.

Conditions:
VWF-related disorder. Also called: VWF-related condition; VWF-related disorders.
Hereditary von Willebrand disease. Identifiers: Orphanet 903, MedGen C5703318, MONDO:0019565. Inheritance: Autosomal recessive or Autosomal dominant.

Submissions (2):

NIHR Bioresource Rare Diseases, University of Cambridge
Classification: Likely pathogenic for von Willebrand disorder. Last evaluated: 2019-02-01. Review status: criteria provided, single submitter. Criteria: ACMG Guidelines, 2015. Collection method: research. Allele origin: unknown. Affected: yes. Observed: 1 heterozygote, 1 compound heterozygote. Study: ThromboGenomics.

PreventionGenetics, part of Exact Sciences
Classification: Likely pathogenic for VWF-related condition. Last evaluated: 2023-11-10. Review status: no assertion criteria provided. Collection method: clinical testing. Allele origin: germline. Not counted in ClinVar's aggregate classification.
Comment: The VWF c.1339delC variant is predicted to result in a frameshift and premature protein termination (p.Arg447Glyfs*10). This variant has been reported in individuals from a cohort of patients with bleeding disorders and interpreted as likely pathogenic or pathogenic (Downes et al. 2019. PubMed ID: 31064749. Suppl3_SNV+INDEL). This variant has not been reported in a large population database, indicating this variant is rare. Frameshift variants in VWF are expected to be pathogenic. This variant is interpreted as likely pathogenic.

Literature cited by the submitters: PubMed 31064749 (cited by NIHR Bioresource Rare Diseases, University of Cambridge).